The following is an entry in ClinVar:

ClinVar aggregate classification (germline): Uncertain significance. Review status: criteria provided, multiple submitters, no conflicts (2 of 4 stars). 2 submissions from 2 submitters: Uncertain significance (2). Last evaluated 2026-03-25.

Conditions:
Atrioventricular septal defect 5 (AVSD5). Identifiers: MedGen C3280939, MONDO:0013769, OMIM 614474.

Allele frequency attached by ClinVar (database versions not stated): 1000 Genomes Project 0.00060; 1000 Genomes Project 30x 0.00062.
gnomAD v4.1: 16 of 1,587,632 alleles (0.001%); highest among the groups gnomAD compares: Admixed American, 0.0068%; no homozygotes.

Submissions (2):

GeneDx
Classification: Uncertain significance. Last evaluated: 2026-03-25. Review status: criteria provided, single submitter. Criteria: GeneDx Variant Classification Process June 2021. Collection method: clinical testing. Allele origin: germline.
Comment: Has not been previously published as pathogenic or benign to our knowledge; Not observed at significant frequency in large population cohorts (gnomAD); In silico analysis suggests that this missense variant does not alter protein structure/function

Labcorp Genetics (formerly Invitae), Labcorp
Classification: Uncertain significance for Atrioventricular septal defect 5. Last evaluated: 2025-11-17. Review status: criteria provided, single submitter. Criteria: Invitae Variant Classification Sherloc (09022015). Collection method: clinical testing. Allele origin: germline.
Comment: This sequence change replaces aspartic acid, which is acidic and polar, with histidine, which is basic and polar, at codon 66 of the GATA6 protein (p.Asp66His). This variant is present in population databases (rs554577705, gnomAD 0.003%). This variant has not been reported in the literature in individuals affected with GATA6-related conditions. ClinVar contains an entry for this variant (Variation ID: 1354849). An algorithm developed to predict the effect of missense changes on protein structure and function (PolyPhen-2) suggests that this variant is likely to be disruptive. In summary, the available evidence is currently insufficient to determine the role of this variant in disease. Therefore, it has been classified as a Variant of Uncertain Significance.

NM_005257.6(GATA6):c.196G>C (p.Asp66His)

Gene: GATA6 (GATA binding protein 6; plus strand). Cytogenetic location: 18q11.2.
Variant type: single nucleotide variant.
Coding change: c.196G>C on transcript NM_005257.6 (MANE Select); coding-DNA position 196, G replaced by C.
Protein change: p.Asp66His; replaces aspartic acid 66 with histidine.
Molecular consequence: missense variant.
Genome position (GRCh38, 1-based): chr18:22,171,340, G>C. VCF-style: chr18-22171340-G-C. GRCh37 (hg19) VCF-style: chr18-19751301-G-C.
Other names: c.196G>C (NM_005257.4); short protein forms D66H.
Identifiers: ClinVar variation 1354849 (VCV001354849.9), dbSNP rs554577705, ClinGen allele CA8908843.